The following is an entry in ClinVar:

NM_000548.5(TSC2):c.3854G>A (p.Gly1285Glu)

Gene: TSC2 (TSC complex subunit 2; plus strand). Cytogenetic location: 16p13.3.
Variant type: single nucleotide variant.
Coding change: c.3854G>A on transcript NM_000548.5 (MANE Select); coding-DNA position 3854, G replaced by A.
Protein change: p.Gly1285Glu; replaces glycine 1285 with glutamic acid.
Molecular consequence: missense variant. On other transcripts: intron variant (6).
Genome position (GRCh38, 1-based): chr16:2,082,475, G>A. VCF-style: chr16-2082475-G-A. GRCh37 (hg19) VCF-style: chr16-2132476-G-A.
Other names: c.3122G>A, p.Gly1041Glu (NM_001318831.2); c.3722G>A, p.Gly1241Glu (NM_001370404.1); c.3725G>A, p.Gly1242Glu (NM_001370405.1, NM_021055.3); c.3814+677G>A (NM_001114382.3); c.3685+677G>A (NM_001363528.2); c.3682+677G>A (NM_001077183.3); c.3574+677G>A (NM_001318827.2); c.3538+677G>A (NM_001318829.2); and 1 more; short protein forms G1041E, G1241E, G1242E, G1285E.
Identifiers: ClinVar variation 961557 (VCV000961557.8), dbSNP rs2090265081, ClinGen allele CA394295014.

ClinVar aggregate classification (germline): Uncertain significance. Review status: criteria provided, multiple submitters, no conflicts (2 of 4 stars). 2 submissions from 2 submitters: Uncertain significance (2). Last evaluated 2024-08-23.

Conditions:
Tuberous sclerosis 2 (TSC2). Identifiers: Orphanet 805, MedGen C1860707, MONDO:0013199, OMIM 613254.
Hereditary cancer-predisposing syndrome. Also called: Hereditary neoplastic syndrome; Tumor predisposition; Neoplastic Syndromes, Hereditary; Hereditary Cancer Syndrome. Identifiers: Orphanet 140162, MedGen C0027672, MeSH D009386, MONDO:0015356.

Submissions (2):

Ambry Genetics
Classification: Uncertain significance for Hereditary cancer-predisposing syndrome. Last evaluated: 2024-08-23. Review status: criteria provided, single submitter. Criteria: Ambry Variant Classification Scheme 2023. Collection method: clinical testing. Allele origin: germline.
Comment: The p.G1285E variant (also known as c.3854G>A), located in coding exon 31 of the TSC2 gene, results from a G to A substitution at nucleotide position 3854. The glycine at codon 1285 is replaced by glutamic acid, an amino acid with similar properties. This amino acid position is well conserved in available vertebrate species. In addition, the in silico prediction for this alteration is inconclusive. Based on the available evidence, the clinical significance of this variant remains unclear.

Labcorp Genetics (formerly Invitae), Labcorp
Classification: Uncertain significance for Tuberous sclerosis 2. Last evaluated: 2021-08-31. Review status: criteria provided, single submitter. Criteria: Invitae Variant Classification Sherloc (09022015). Collection method: clinical testing. Allele origin: germline.
Comment: This sequence change replaces glycine with glutamic acid at codon 1285 of the TSC2 protein (p.Gly1285Glu). The glycine residue is moderately conserved and there is a moderate physicochemical difference between glycine and glutamic acid. This variant is not present in population databases (ExAC no frequency). This variant has not been reported in the literature in individuals affected with TSC2-related conditions. Algorithms developed to predict the effect of missense changes on protein structure and function are either unavailable or do not agree on the potential impact of this missense change (SIFT: "Deleterious"; PolyPhen-2: "Benign"; Align-GVGD: "Class C0"). In summary, the available evidence is currently insufficient to determine the role of this variant in disease. Therefore, it has been classified as a Variant of Uncertain Significance.